The following is an entry in ClinVar:

ClinVar aggregate classification (germline): Uncertain significance. Review status: criteria provided, multiple submitters, no conflicts (2 of 4 stars). 2 submissions from 2 submitters: Uncertain significance (2). Last evaluated 2025-04-26.

Conditions:
Infantile spasms. Also called: Infantile spasm. Identifiers: MedGen C3887898, HP:0012469.

Allele frequency attached by ClinVar (database versions not stated): gnomAD exomes 0.00001; gnomAD 0.00002 and 0.00003; TOPMed 0.00002.
gnomAD v4.1: 14 of 1,613,052 alleles (0.00087%); highest among the groups gnomAD compares: African/African-American, 0.0053%; no homozygotes.

Submissions (2):

Labcorp Genetics (formerly Invitae), Labcorp
Classification: Uncertain significance for Infantile spasms. Last evaluated: 2025-04-26. Review status: criteria provided, single submitter. Criteria: Invitae Variant Classification Sherloc (09022015). Collection method: clinical testing. Allele origin: germline.
Comment: This sequence change replaces proline, which is neutral and non-polar, with leucine, which is neutral and non-polar, at codon 789 of the PIK3AP1 protein (p.Pro789Leu). This variant is present in population databases (no rsID available, gnomAD 0.01%). This variant has not been reported in the literature in individuals affected with PIK3AP1-related conditions. ClinVar contains an entry for this variant (Variation ID: 1414381). An algorithm developed to predict the effect of missense changes on protein structure and function outputs the following: PolyPhen-2: "Benign". The leucine amino acid residue is found in multiple mammalian species, which suggests that this missense change does not adversely affect protein function. In summary, the available evidence is currently insufficient to determine the role of this variant in disease. Therefore, it has been classified as a Variant of Uncertain Significance.

Ambry Genetics
Classification: Uncertain significance. Last evaluated: 2024-11-16. Review status: criteria provided, single submitter. Criteria: Ambry Variant Classification Scheme 2023. Collection method: clinical testing. Allele origin: germline.

NM_152309.3(PIK3AP1):c.2366C>T (p.Pro789Leu)

Gene: PIK3AP1 (phosphoinositide-3-kinase adaptor protein 1; minus strand). Cytogenetic location: 10q24.1.
Variant type: single nucleotide variant.
Coding change: c.2366C>T on transcript NM_152309.3 (MANE Select); coding-DNA position 2366, C replaced by T.
Protein change: p.Pro789Leu; replaces proline 789 with leucine.
Molecular consequence: missense variant.
Genome position (GRCh38, 1-based): chr10:96,595,629, G>A on the plus strand (C>T on the coding strand, the complement: PIK3AP1 is on the minus strand). VCF-style: chr10-96595629-G-A. GRCh37 (hg19) VCF-style: chr10-98355386-G-A.
Other names: c.2366C>T (NM_152309.2); short protein forms P789L.
Identifiers: ClinVar variation 1414381 (VCV001414381.7), dbSNP rs1261866966, ClinGen allele CA377747178.